The following is an entry in ClinVar:

ClinVar aggregate classification (germline): Pathogenic (1 of 4 stars; one submission).

Submission:

Labcorp Genetics (formerly Invitae), Labcorp
Classification: Pathogenic. Last evaluated: 2025-09-12. Review status: criteria provided, single submitter. Criteria: Invitae Variant Classification Sherloc (09022015). Collection method: clinical testing. Allele origin: germline.
Comment: This sequence change creates a premature translational stop signal (p.Phe169Hisfs*21) in the NDUFV2 gene. It is expected to result in an absent or disrupted protein product. Loss-of-function variants in NDUFV2 are known to be pathogenic (PMID: 12754703, 26008862). This variant is not present in population databases (gnomAD no frequency). This variant has not been reported in the literature in individuals affected with NDUFV2-related conditions. ClinVar contains an entry for this variant (Variation ID: 1993808). For these reasons, this variant has been classified as Pathogenic.

Literature cited by the submitters: PubMed 12754703; PubMed 26008862.

NM_021074.5(NDUFV2):c.505_506del (p.Phe169fs)

Genes: NDUFV2 (NADH:ubiquinone oxidoreductase core subunit V2; plus strand), NDUFV2-AS1 (NDUFV2 antisense RNA 1; minus strand). Cytogenetic location: 18p11.22.
Variant type: Deletion.
Coding change: c.505_506del on transcript NM_021074.5 (MANE Select); coding-DNA positions 505 to 506, 2 bases deleted (TT; older notation c.505_506delTT).
Protein change: p.Phe169fs; shifts the reading frame from phenylalanine 169.
Molecular consequence: frameshift variant.
Genome position (GRCh38, 1-based): chr18:9,124,909-9,124,910, TT deleted; deleting any 2 consecutive bases within chr18:9,124,907-9,124,910 gives the same sequence; the c. name uses the placement nearest the transcript's 3' end. VCF-style (leftmost placement, unchanged base first): chr18-9124906-CTT-C. GRCh37 (hg19) VCF-style: chr18-9124904-CTT-C.
Other names: short protein forms F169fs.
Identifiers: ClinVar variation 1993808 (VCV001993808.4), dbSNP rs2510155602, ClinGen allele CA2576453396.
Genomic context (GRCh38, chr18:9,124,906, plus strand): 5'-TCCTTAGAGTGTTTATTTGTATTTTTAGGAATAAAGGTTGGGGAGACTACACCTGACAAA[CTT>C]TTCACTCTTATAGAAGTGGAATGTTTAGGGGCCTGTGTGAACGCACCAATGGTTCAAATA-3'